The following is an entry in ClinVar:

NM_001003800.2(BICD2):c.1486C>T (p.Arg496Cys)

Gene: BICD2 (BICD cargo adaptor 2; minus strand). Cytogenetic location: 9q22.31.
Variant type: single nucleotide variant.
Coding change: c.1486C>T on transcript NM_001003800.2 (MANE Select); coding-DNA position 1486, C replaced by T.
Protein change: p.Arg496Cys; replaces arginine 496 with cysteine.
Molecular consequence: missense variant.
Genome position (GRCh38, 1-based): chr9:92,719,159, G>A on the plus strand (C>T on the coding strand, the complement: BICD2 is on the minus strand). VCF-style: chr9-92719159-G-A. GRCh37 (hg19) VCF-style: chr9-95481441-G-A.
Other names: c.1486C>T, p.Arg496Cys (NM_015250.4); short protein forms R496C.
Identifiers: ClinVar variation 837169 (VCV000837169.10), dbSNP rs1457844438, ClinGen allele CA374037803.

ClinVar aggregate classification (germline): Uncertain significance (1 of 4 stars; one submission).

Conditions:
Autosomal dominant childhood-onset proximal spinal muscular atrophy with contractures (SMALED2A). Also called: SPINAL MUSCULAR ATROPHY, LOWER EXTREMITY-PREDOMINANT, 2A, CHILDHOOD ONSET, AUTOSOMAL DOMINANT; Spinal muscular atrophy, lower extremity-predominant, 2A, autosomal dominant. Identifiers: Orphanet 363447, Orphanet 363454, MedGen C4747715, MONDO:0014121, OMIM 615290.

Allele frequency attached by ClinVar (database versions not stated): gnomAD exomes below 0.00001; TOPMed 0.00002.
gnomAD v4.1: 4 of 1,611,372 alleles (0.00025%); highest among the groups gnomAD compares: South Asian, 0.0011%; no homozygotes.

Submission:

Labcorp Genetics (formerly Invitae), Labcorp
Classification: Uncertain significance for Autosomal dominant childhood-onset proximal spinal muscular atrophy with contractures. Last evaluated: 2022-11-08. Review status: criteria provided, single submitter. Criteria: Invitae Variant Classification Sherloc (09022015). Collection method: clinical testing. Allele origin: germline.
Comment: This sequence change replaces arginine, which is basic and polar, with cysteine, which is neutral and slightly polar, at codon 496 of the BICD2 protein (p.Arg496Cys). This variant is not present in population databases (gnomAD no frequency). In summary, the available evidence is currently insufficient to determine the role of this variant in disease. Therefore, it has been classified as a Variant of Uncertain Significance. Advanced modeling of protein sequence and biophysical properties (such as structural, functional, and spatial information, amino acid conservation, physicochemical variation, residue mobility, and thermodynamic stability) performed at Invitae indicates that this missense variant is not expected to disrupt BICD2 protein function. ClinVar contains an entry for this variant (Variation ID: 837169). This variant has not been reported in the literature in individuals affected with BICD2-related conditions.